The following is an entry in ClinVar:

ClinVar aggregate classification (germline): Uncertain significance (1 of 4 stars; one submission).

Conditions:
Hereditary cancer-predisposing syndrome. Also called: Neoplastic Syndromes, Hereditary; Tumor predisposition; Hereditary Cancer Syndrome; Hereditary neoplastic syndrome. Identifiers: Orphanet 140162, MedGen C0027672, MeSH D009386, MONDO:0015356.

Submission:

Ambry Genetics
Classification: Uncertain significance for Hereditary cancer-predisposing syndrome. Last evaluated: 2026-05-15. Review status: criteria provided, single submitter. Criteria: Ambry Variant Classification Scheme 2023. Collection method: clinical testing. Allele origin: germline.
Comment: The p.R797S variant (also known as c.2391G>T), located in coding exon 14 of the RAD50 gene, results from a G to T substitution at nucleotide position 2391. The arginine at codon 797 is replaced by serine, an amino acid with dissimilar properties. This amino acid position is conserved. In addition, this alteration is predicted to be deleterious by in silico analysis. Based on the available evidence, the clinical significance of this variant remains unclear.

NM_005732.4(RAD50):c.2391G>T (p.Arg797Ser)

Gene: RAD50 (RAD50 double strand break repair protein; plus strand). Cytogenetic location: 5q31.1.
Variant type: single nucleotide variant.
Coding change: c.2391G>T on transcript NM_005732.4 (MANE Select); coding-DNA position 2391, G replaced by T.
Protein change: p.Arg797Ser; replaces arginine 797 with serine.
Molecular consequence: missense variant.
Genome position (GRCh38, 1-based): chr5:132,603,483, G>T. VCF-style: chr5-132603483-G-T. GRCh37 (hg19) VCF-style: chr5-131939175-G-T.
Other names: short protein forms R797S.
Identifiers: ClinVar variation 4862848 (VCV004862848.1).